The following is an entry in ClinVar:

ClinVar aggregate classification (germline): Likely pathogenic (1 of 4 stars; one submission).

Conditions:
Hypophosphatasia. Also called: Phosphoethanol-aminuria. Identifiers: Orphanet 436, MedGen C0020630, MeSH D007014, MONDO:0018570.

Submission:

JKU Lab, Dept of Paediatrics, Johannes Kepler University
Classification: Likely pathogenic for Hypophosphatasia. Last evaluated: 2024-10-08. Review status: criteria provided, single submitter. Criteria: ACMG Guidelines, 2015. Collection method: curation, in vitro. Allele origin: germline, not applicable. Affected: yes. Functional consequence: decreased enzyme activity.
Comment: This missense variant is not present in GnomAD 4.1 and does not affect a highly conserved amino acid in a functional domain. The variant is not predicted to affect protein function (REVEL score: 0.562). Splice-prediction algorithms predict no effect on splicing. In vitro functional studies showed reduced ALP activity without a dominant negative effect. This variant has not been reported in the literature in individuals affected with ALPL-related conditions. The results of the functional testing and the applied ACMG criteria can be viewed at an online resource

NM_000478.6(ALPL):c.164T>A (p.Ile55Asn)

Gene: ALPL (alkaline phosphatase, biomineralization associated; plus strand). Cytogenetic location: 1p36.12.
Variant type: single nucleotide variant.
Coding change: c.164T>A on transcript NM_000478.6 (MANE Select); coding-DNA position 164, T replaced by A.
Protein change: p.Ile55Asn; replaces isoleucine 55 with asparagine.
Molecular consequence: missense variant. On other transcripts: 5 prime UTR variant (1).
Genome position (GRCh38, 1-based): chr1:21,560,728, T>A. VCF-style: chr1-21560728-T-A. GRCh37 (hg19) VCF-style: chr1-21887221-T-A.
Other names: c.-2T>A (NM_001127501.4); c.49T>A, p.Ser17Thr (NM_001177520.3); c.164T>A, p.Ile55Asn (NM_001369803.2, NM_001369804.2, NM_001369805.2); short protein forms I55N, S17T.
Identifiers: ClinVar variation 3363176 (VCV003363176.3).
Genomic context (GRCh38, chr1:21,560,728, plus strand): 5'-AGACACTGAAATATGCCCTGGAGCTTCAGAAGCTCAACACCAACGTGGCTAAGAATGTCA[T>A]CATGTTCCTGGGAGATGGTGAGGCCCAGGGGCCTGTGGGAGGGGTGGAACAGGACACCTA-3'
Protein context (NP_000469.3, residues 45-65): KLNTNVAKNV[Ile55Asn]MFLGDGMGVS